The following is an entry in ClinVar:

ClinVar aggregate classification (germline): Benign/Likely benign. Review status: criteria provided, multiple submitters, no conflicts (2 of 4 stars). 7 submissions from 7 submitters: Benign (1); Likely benign (5). 1 of the submissions does not count toward it. Last evaluated 2025-01-20.

Conditions:
PKD1-related disorder. Also called: PKD1-related condition.
Polycystic kidney disease, adult type (PKD1). Also called: POLYCYSTIC KIDNEY DISEASE, ADULT, TYPE I; Polycystic Kidney, Autosomal Dominant; POLYCYSTIC KIDNEY DISEASE 1 WITH OR WITHOUT POLYCYSTIC LIVER DISEASE; Polycystic Kidney Disease 1, Autosomal Dominant; Polycystic kidney disease 1; Polycystic kidney disease 1, severe. Identifiers: MedGen C3149841, MONDO:0008263, OMIM 173900.

Submissions (7):

Department of Pathology and Laboratory Medicine, Sinai Health System
Classification: Likely benign for Polycystic kidney disease, adult type. Last evaluated: 2025-01-20. Review status: criteria provided, single submitter. Criteria: ACMG Guidelines, 2015. Collection method: clinical testing. Allele origin: germline.

Blueprint Genetics
Classification: Likely benign. Last evaluated: 2024-11-06. Review status: criteria provided, single submitter. Criteria: ACMG Guidelines, 2015. Collection method: clinical testing. Allele origin: germline.

CeGaT Center for Human Genetics Tuebingen
Classification: Benign. Last evaluated: 2022-05-01. Review status: criteria provided, single submitter. Criteria: CeGaT Center For Human Genetics Tuebingen Variant Classification Criteria Version 2. Collection method: clinical testing. Allele origin: germline. Affected: yes. Observed: 1 variant allele.
Comment: PKD1: BS1, BS2

Fulgent Genetics
Classification: Likely benign for Polycystic kidney disease, adult type. Last evaluated: 2021-12-01. Review status: criteria provided, single submitter. Criteria: ACMG Guidelines, 2015. Collection method: clinical testing. Allele origin: unknown.

GeneDx
Classification: Likely benign. Last evaluated: 2021-10-28. Review status: criteria provided, single submitter. Criteria: GeneDx Variant Classification Process June 2021. Collection method: clinical testing. Allele origin: germline. Affected: yes.

ARUP Laboratories, Molecular Genetics and Genomics, ARUP Laboratories
Classification: Likely benign. Last evaluated: 2017-03-21. Review status: criteria provided, single submitter. Criteria: ARUP Molecular Germline Variant Investigation Process. Collection method: clinical testing. Allele origin: germline.

PreventionGenetics, part of Exact Sciences
Classification: Likely benign for PKD1-related condition. Last evaluated: 2022-10-21. Review status: no assertion criteria provided. Collection method: clinical testing. Allele origin: germline. Not counted in ClinVar's aggregate classification.
Comment: This variant is classified as likely benign based on ACMG/AMP sequence variant interpretation guidelines (Richards et al. 2015 PMID: 25741868, with internal and published modifications).

NM_001009944.3(PKD1):c.9924-9_9924-7del

Gene: PKD1 (polycystin 1, transient receptor potential channel interacting; minus strand). Cytogenetic location: 16p13.3.
Variant type: Microsatellite.
Coding change: c.9924-9_9924-7del on transcript NM_001009944.3 (MANE Select); 9 bases into the intron before coding-DNA position 9924 through 7 bases into the intron before coding-DNA position 9924, 3 bases deleted (TCC; older notation c.9924-9_9924-7delTCC).
Molecular consequence: intron variant.
Genome position (GRCh38, 1-based): chr16:2,099,777-2,099,779, GGA deleted on the plus strand (TCC on the coding strand, the reverse complement: PKD1 is on the minus strand); deleting any 3 consecutive bases within chr16:2,099,777-2,099,783 gives the same sequence; the c. name uses the placement nearest the transcript's 3' end. VCF-style (leftmost placement, unchanged base first): chr16-2099776-TGGA-T. GRCh37 (hg19) VCF-style: chr16-2149777-TGGA-T.
Other names: c.9924-9_9924-7delTCC (NM_000296.3, NM_001009944.2); c.9924-9_9924-7del (NM_000296.4).
Identifiers: ClinVar variation 440138 (VCV000440138.39), dbSNP rs892390487, ClinGen allele CA276773082.